The following is an entry in ClinVar:

NM_006005.3(WFS1):c.1536C>T (p.Leu512=)

Gene: WFS1 (wolframin ER transmembrane glycoprotein; plus strand). Cytogenetic location: 4p16.1.
Variant type: single nucleotide variant.
Coding change: c.1536C>T on transcript NM_006005.3 (MANE Select); coding-DNA position 1536, C replaced by T.
Protein change: p.Leu512=; no amino-acid change (leucine 512 retained).
Molecular consequence: synonymous variant.
Genome position (GRCh38, 1-based): chr4:6,301,331, C>T. VCF-style: chr4-6301331-C-T. GRCh37 (hg19) VCF-style: chr4-6303058-C-T.
Other names: c.1536C>T, p.Leu512= (NM_001145853.1).
Identifiers: ClinVar variation 499581 (VCV000499581.6), dbSNP rs199728640, ClinGen allele CA438368488.

ClinVar aggregate classification (germline): Conflicting classifications of pathogenicity. Review status: criteria provided, conflicting classifications (1 of 4 stars). 2 submissions from 2 submitters: Uncertain significance (1); Benign (1). Last evaluated 2017-01-20.

Conditions:
Wolfram syndrome 1 (WFS1). Identifiers: Orphanet 3463, MedGen C4551693, MONDO:0009101, OMIM 222300.

Allele frequency attached by ClinVar (database versions not stated): gnomAD exomes below 0.00001; gnomAD 0.00001; TOPMed 0.00001.
gnomAD v4.1: 3 of 1,611,874 alleles (0.00019%); highest among the groups gnomAD compares: East Asian, 0.0045%; no homozygotes.

Submissions (2):

Eurofins Ntd Llc (ga)
Classification: Uncertain significance. Last evaluated: 2017-01-20. Review status: criteria provided, single submitter. Criteria: EGL Classification Definitions 2015. Collection method: clinical testing. Allele origin: germline. Observed: 1 variant allele, 1 heterozygote.

Clinical Genomics, Uppaluri K&H Personalized Medicine Clinic
Classification: Benign for Wolfram syndrome 1. Review status: criteria provided, single submitter. Criteria: K & H Uppaluri Personalized Medicine Clinic Variant Classification & Assertion Criteria_Updated V.1. Collection method: research. Allele origin: unknown. Inheritance: Autosomal recessive inheritance.
Comment: Potent mutations in WFS1 gene are associated with Wolfram's syndrome, an autosomal recessive condition, which cause diabetes mellitus, diabetes insipidus, deafness and optic atrophy. However no sufficient evidence is found to ascertain the role of this particular variant rs199728640 in Wolfram's syndrome yet.

Literature cited by the submitters: PubMed 20738327 (cited by Clinical Genomics, Uppaluri K&H Personalized Medicine Clinic); PubMed 33879153 (cited by Clinical Genomics, Uppaluri K&H Personalized Medicine Clinic); PubMed 12955714 (cited by Clinical Genomics, Uppaluri K&H Personalized Medicine Clinic); PubMed 18060660 (cited by Clinical Genomics, Uppaluri K&H Personalized Medicine Clinic); PubMed 20301750 (cited by Clinical Genomics, Uppaluri K&H Personalized Medicine Clinic); PubMed 17603484 (cited by Clinical Genomics, Uppaluri K&H Personalized Medicine Clinic).